The following is an entry in ClinVar:

NM_019892.6(INPP5E):c.1369C>A (p.Pro457Thr)

Gene: INPP5E (inositol polyphosphate-5-phosphatase E; minus strand). Cytogenetic location: 9q34.3.
Variant type: single nucleotide variant.
Coding change: c.1369C>A on transcript NM_019892.6 (MANE Select); coding-DNA position 1369, C replaced by A.
Protein change: p.Pro457Thr; replaces proline 457 with threonine.
Molecular consequence: missense variant.
Genome position (GRCh38, 1-based): chr9:136,432,497, G>T on the plus strand (C>A on the coding strand, the complement: INPP5E is on the minus strand). VCF-style: chr9-136432497-G-T. GRCh37 (hg19) VCF-style: chr9-139326949-G-T.
Other names: c.1369C>A (NM_019892.5); c.1366C>A, p.Pro456Thr (NM_001318502.2); short protein forms P456T, P457T.
Identifiers: ClinVar variation 4275604 (VCV004275604.2).
Genomic context (GRCh38, chr9:136,432,497, plus strand): 5'-AACCACGGCGGCACCACCCACACGCAGCGTGGACGCCCTCACCTGCGCTGGAGCGATAGG[G>T]GTTGGTGTCGGGCACATTTCTGGGCAGGACCAGGGCTTGTACAGTCCTGGTGTAGTCCAG-3'
Protein context (NP_063945.2, residues 447-467): VLPRNVPDTN[Pro457Thr]YRSSAADVTT

ClinVar aggregate classification (germline): Uncertain significance. Review status: criteria provided, multiple submitters, no conflicts (2 of 4 stars). 2 submissions from 2 submitters: Uncertain significance (2). Last evaluated 2025-08-05.

Conditions:
Inborn genetic diseases. Identifiers: MedGen C0950123, MeSH D030342.
INPP5E-related disorder. Also called: INPP5E-related condition.

gnomAD v4.1: 16 of 1,550,340 alleles (0.001%); highest among the groups gnomAD compares: African/African-American, 0.0014%; no homozygotes.

Submissions (2):

Ambry Genetics
Classification: Uncertain significance for Inborn genetic diseases. Last evaluated: 2025-08-05. Review status: criteria provided, single submitter. Criteria: Ambry Variant Classification Scheme 2023. Collection method: clinical testing. Allele origin: germline.

PreventionGenetics, part of Exact Sciences
Classification: Uncertain significance for INPP5E-related condition. Last evaluated: 2024-12-12. Review status: criteria provided, single submitter. Criteria: ACMG Guidelines, 2015. Collection method: clinical testing. Allele origin: germline.
Comment: The INPP5E c.1369C>A variant is predicted to result in the amino acid substitution p.Pro457Thr. To our knowledge, this variant has not been reported in the literature. This variant is reported in 0.011% of alleles in individuals of Ashkenazi Jewish descent in gnomAD. At this time, the clinical significance of this variant is uncertain due to the absence of conclusive functional and genetic evidence.